The following is an entry in ClinVar:

NM_001297.5(CNGB1):c.852_874+25del

Gene: CNGB1 (cyclic nucleotide gated channel subunit beta 1; minus strand). Cytogenetic location: 16q21.
Variant type: Deletion.
Coding change: c.852_874+25del on transcript NM_001297.5 (MANE Select); coding-DNA position 852 through 25 bases into the intron after coding-DNA position 874, 48 bases deleted.
Molecular consequence: splice donor variant.
Genome position (GRCh38, 1-based): chr16:57,957,316-57,957,363, 48 bases deleted; deleting any 48 consecutive bases within chr16:57,957,316-57,957,368 gives the same sequence; the c. name uses the placement nearest the transcript's 3' end. GRCh37 (hg19): chr16:57,991,225-57,991,272.
Other names: c.834_856+25del (NM_001286130.2); c.852_874+25del (NM_001135639.2); c.852_874+25del48 (NM_001297.5).
Identifiers: ClinVar variation 4853631 (VCV004853631.1).
Genomic context (GRCh38, chr16:57,957,315, plus strand): 5'-CCCCCCTGCCCACATACAGTCAGACCCAAGGACACCAAGCAACCCTTCCTAATATGTACA[TGGGGACTCAGTAATGTGTCACTTACTGGTCTGCACATCACATATCCCA>T]GGGGAGTCAGGCTCCTGCATGGAGAGAGAAAAAAGGGAAAATCCTGCCACGGCCTCTTCA-3'

ClinVar aggregate classification (germline): Likely pathogenic (1 of 4 stars; one submission).

Conditions:
Retinitis pigmentosa (RP). Identifiers: Orphanet 791, MedGen C0035334, MeSH D012174, MONDO:0019200, OMIM 268000. Inheritance: Autosomal dominant, autosomal recessive and X linked inheritance.

Submission:

Women's Health and Genetics/Laboratory Corporation of America, LabCorp
Classification: Likely pathogenic for Retinitis pigmentosa. Last evaluated: 2026-05-01. Review status: criteria provided, single submitter. Criteria: LabCorp Variant Classification Summary - May 2015. Collection method: clinical testing. Allele origin: germline.
Comment: Variant summary: CNGB1 c.852_874+25del48 disrupts a canonical splice-site and is predicted to affect mRNA splicing resulting in a significantly altered protein due to either exon skipping, shortening, or inclusion of intronic material. Variants that disrupt the consensus splice site are a relatively common cause of aberrant splicing and loss of CNGB1 function. Several computational tools predict a significant impact on normal splicing: Four predict the variant abolishes a 5' splicing donor site. However, these predictions have yet to be confirmed by functional studies. The variant was absent in 249538 control chromosomes. To our knowledge, no occurrence of c.852_874+25del48 in individuals affected with CNGB1-related conditions and no experimental evidence demonstrating its impact on protein function have been reported. No submitters have cited clinical-significance assessments for this variant to ClinVar. Based on the evidence outlined above, the variant was classified as likely pathogenic.